The following is an entry in ClinVar:

NM_020964.3(EPG5):c.1544C>A (p.Ser515Tyr)

Gene: EPG5 (ectopic P-granules 5 autophagy tethering factor; minus strand). Cytogenetic location: 18q21.1.
Variant type: single nucleotide variant.
Coding change: c.1544C>A on transcript NM_020964.3 (MANE Select); coding-DNA position 1544, C replaced by A.
Protein change: p.Ser515Tyr; replaces serine 515 with tyrosine.
Molecular consequence: missense variant.
Genome position (GRCh38, 1-based): chr18:45,948,530, G>T on the plus strand (C>A on the coding strand, the complement: EPG5 is on the minus strand). VCF-style: chr18-45948530-G-T. GRCh37 (hg19) VCF-style: chr18-43528496-G-T.
Other names: short protein forms S515Y.
Identifiers: ClinVar variation 1026675 (VCV001026675.10), dbSNP rs746558016, ClinGen allele CA402349138.

ClinVar aggregate classification (germline): Uncertain significance (1 of 4 stars; one submission).

Conditions:
Vici syndrome (VICIS). Identifiers: Orphanet 1493, MedGen C1855772, MONDO:0009452, OMIM 242840.

Submission:

Labcorp Genetics (formerly Invitae), Labcorp
Classification: Uncertain significance for Vici syndrome. Last evaluated: 2020-01-05. Review status: criteria provided, single submitter. Criteria: Invitae Variant Classification Sherloc (09022015). Collection method: clinical testing. Allele origin: germline.
Comment: In summary, the available evidence is currently insufficient to determine the role of this variant in disease. Therefore, it has been classified as a Variant of Uncertain Significance. Algorithms developed to predict the effect of missense changes on protein structure and function are either unavailable or do not agree on the potential impact of this missense change (SIFT: "Tolerated"; PolyPhen-2: "Probably Damaging"; Align-GVGD: "Class C0"). This variant has not been reported in the literature in individuals with EPG5-related conditions. This variant is not present in population databases (ExAC no frequency). This sequence change replaces serine with tyrosine at codon 515 of the EPG5 protein (p.Ser515Tyr). The serine residue is weakly conserved and there is a large physicochemical difference between serine and tyrosine.